The following is an entry in ClinVar:

NM_001367624.2(ZNF469):c.10811C>T (p.Pro3604Leu)

Gene: ZNF469 (zinc finger protein 469; plus strand). Cytogenetic location: 16q24.2.
Variant type: single nucleotide variant.
Coding change: c.10811C>T on transcript NM_001367624.2 (MANE Select); coding-DNA position 10811, C replaced by T.
Protein change: p.Pro3604Leu; replaces proline 3604 with leucine.
Molecular consequence: missense variant.
Genome position (GRCh38, 1-based): chr16:88,438,281, C>T. VCF-style: chr16-88438281-C-T. GRCh37 (hg19) VCF-style: chr16-88504689-C-T.
Other names: NM_001127464.1:c.10727C>T; short protein forms P3604L.
Identifiers: ClinVar variation 1029102 (VCV001029102.10), dbSNP rs957402222, ClinGen allele CA286387287.

ClinVar aggregate classification (germline): Uncertain significance. Review status: criteria provided, multiple submitters, no conflicts (2 of 4 stars). 4 submissions from 4 submitters: Uncertain significance (4). Last evaluated 2024-09-26.

Conditions:
Cardiovascular phenotype. Identifiers: MedGen CN230736.
Brittle cornea syndrome 1 (BCS1). Also called: DYSGENESIS MESODERMALIS CORNEAE ET SCLERAE; CORNEAL FRAGILITY, KERATOGLOBUS, BLUE SCLERAE, JOINT HYPEREXTENSIBILITY; EDS6B; FRAGILITAS OCULI WITH JOINT HYPEREXTENSIBILITY; Corneal fragility keratoglobus, blue sclerae AND joint hypermobility. Identifiers: Orphanet 90354, MedGen C0268344, MONDO:0024543, OMIM 229200.

Allele frequency attached by ClinVar (database versions not stated): gnomAD 0.00001; gnomAD exomes 0.00001; TOPMed 0.00002.
gnomAD v4.1: 27 of 1,548,196 alleles (0.0017%); highest among the groups gnomAD compares: East Asian, 0.042%; no homozygotes.

Submissions (4):

Labcorp Genetics (formerly Invitae), Labcorp
Classification: Uncertain significance. Last evaluated: 2024-09-26. Review status: criteria provided, single submitter. Criteria: Invitae Variant Classification Sherloc (09022015). Collection method: clinical testing. Allele origin: germline.
Comment: This sequence change replaces proline, which is neutral and non-polar, with leucine, which is neutral and non-polar, at codon 3576 of the ZNF469 protein (p.Pro3576Leu). This variant is present in population databases (no rsID available, gnomAD 0.008%). This variant has not been reported in the literature in individuals affected with ZNF469-related conditions. ClinVar contains an entry for this variant (Variation ID: 1029102). An algorithm developed to predict the effect of missense changes on protein structure and function outputs the following: PolyPhen-2: "Possibly Damaging". The leucine amino acid residue is found in multiple mammalian species, which suggests that this missense change does not adversely affect protein function. In summary, the available evidence is currently insufficient to determine the role of this variant in disease. Therefore, it has been classified as a Variant of Uncertain Significance.

Ambry Genetics
Classification: Uncertain significance for Cardiovascular phenotype. Last evaluated: 2024-07-16. Review status: criteria provided, single submitter. Criteria: Ambry Variant Classification Scheme 2023. Collection method: clinical testing. Allele origin: germline.

Baylor Genetics
Classification: Uncertain significance for Brittle cornea syndrome 1. Last evaluated: 2020-02-26. Review status: criteria provided, single submitter. Criteria: ACMG Guidelines, 2015. Collection method: clinical testing. Allele origin: unknown. Affected: yes.
Comment: This variant was determined to be of uncertain significance according to ACMG Guidelines, 2015 [PMID:25741868].

Genetic Services Laboratory, University of Chicago
Classification: Uncertain significance. Last evaluated: 2017-06-29. Review status: criteria provided, single submitter. Criteria: ACMG Guidelines, 2015. Collection method: clinical testing. Allele origin: germline. Affected: no.